The following is an entry in ClinVar:

ClinVar aggregate classification (germline): Uncertain significance (1 of 4 stars; one submission).

Conditions:
Pure or complex autosomal recessive spastic paraplegia. Identifiers: Orphanet 320346, MedGen C5679887, MONDO:0017915.

gnomAD v4.1: 5 of 1,601,428 alleles (0.00031%); highest among the groups gnomAD compares: South Asian, 0.0023%; no homozygotes.

Submission:

Labcorp Genetics (formerly Invitae), Labcorp
Classification: Uncertain significance for Pure or complex autosomal recessive spastic paraplegia. Last evaluated: 2025-12-06. Review status: criteria provided, single submitter. Criteria: Invitae Variant Classification Sherloc (09022015). Collection method: clinical testing. Allele origin: germline.
Comment: This sequence change replaces lysine, which is basic and polar, with arginine, which is basic and polar, at codon 1028 of the ZFR protein (p.Lys1028Arg). This variant is present in population databases (no rsID available, gnomAD 0.007%). This variant has not been reported in the literature in individuals affected with ZFR-related conditions. Experimental studies and prediction algorithms are not available or were not evaluated, and the functional significance of this variant is currently unknown. In summary, the available evidence is currently insufficient to determine the role of this variant in disease. Therefore, it has been classified as a Variant of Uncertain Significance.

NM_016107.5(ZFR):c.3083A>G (p.Lys1028Arg)

Gene: ZFR (zinc finger RNA binding protein; minus strand). Cytogenetic location: 5p13.3.
Variant type: single nucleotide variant.
Coding change: c.3083A>G on transcript NM_016107.5 (MANE Select); coding-DNA position 3083, A replaced by G.
Protein change: p.Lys1028Arg; replaces lysine 1028 with arginine.
Molecular consequence: missense variant. On other transcripts: non-coding transcript variant (1).
Genome position (GRCh38, 1-based): chr5:32,355,902, T>C on the plus strand (A>G on the coding strand, the complement: ZFR is on the minus strand). VCF-style: chr5-32355902-T-C. GRCh37 (hg19) VCF-style: chr5-32356008-T-C.
Other names: short protein forms K1028R.
Identifiers: ClinVar variation 4778120 (VCV004778120.1).